The following is an entry in ClinVar:

ClinVar aggregate classification (germline): Likely benign (0 of 4 stars; one submission).

Conditions:
RPL15-related disorder. Also called: RPL15-related condition.

Allele frequency attached by ClinVar (database versions not stated): TOPMed 0.00001; gnomAD exomes below 0.00001; 1000 Genomes Project 30x 0.00016; 1000 Genomes Project 0.00020; ExAC 0.00002; ESP Exome Variant Server 0.00008.
gnomAD v4.1: 7 of 1,610,100 alleles (0.00043%); highest among the groups gnomAD compares: South Asian, 0.0011%; no homozygotes.

Submission:

PreventionGenetics, part of Exact Sciences
Classification: Likely benign for RPL15-related condition. Last evaluated: 2023-10-16. Review status: no assertion criteria provided. Collection method: clinical testing. Allele origin: germline.
Comment: This variant is classified as likely benign based on ACMG/AMP sequence variant interpretation guidelines (Richards et al. 2015 PMID: 25741868, with internal and published modifications).

NM_002948.5(RPL15):c.310-7A>G

Genes: NKIRAS1 (NFKB inhibitor interacting Ras like 1; minus strand), RPL15 (ribosomal protein L15; plus strand). Cytogenetic location: 3p24.2.
Variant type: single nucleotide variant.
Coding change: c.310-7A>G on transcript NM_002948.5 (MANE Select); 7 bases into the intron before coding-DNA position 310, A replaced by G.
Molecular consequence: intron variant.
Genome position (GRCh38, 1-based): chr3:23,919,189, A>G. VCF-style: chr3-23919189-A-G. GRCh37 (hg19) VCF-style: chr3-23960680-A-G.
Other names: c.-139-7739T>C (NM_001377380.1); c.310-7A>G (NM_001253384.2, NM_001253379.2, NM_001253380.2 and 2 more transcripts).
Identifiers: ClinVar variation 3047633 (VCV003047633.2), dbSNP rs368646822, ClinGen allele CA2286505.
Genomic context (GRCh38, chr3:23,919,189, plus strand): 5'-AATTCTTTCTGACTTGCTGCTATAGGCAATGTGGGAGATTGACCTTGGGCCTTTTTTCCT[A>G]TTCTAGGAGCGAGCTGGACGCCACTGTGGGGCTCTGAGAGTCCTGAATTCTTACTGGGTT-3'